The following is an entry in ClinVar:

ClinVar aggregate classification (germline): Uncertain significance. Review status: criteria provided, multiple submitters, no conflicts (2 of 4 stars). 2 submissions from 2 submitters: Uncertain significance (2). Last evaluated 2025-08-26.

Allele frequency attached by ClinVar (database versions not stated): TOPMed below 0.00001; gnomAD 0.00001; gnomAD exomes below 0.00001.
gnomAD v4.1: 4 of 1,614,072 alleles (0.00025%); highest among the groups gnomAD compares: African/African-American, 0.0053%; no homozygotes.

Submissions (2):

Labcorp Genetics (formerly Invitae), Labcorp
Classification: Uncertain significance. Last evaluated: 2025-08-26. Review status: criteria provided, single submitter. Criteria: Invitae Variant Classification Sherloc (09022015). Collection method: clinical testing. Allele origin: germline.
Comment: This sequence change replaces alanine, which is neutral and non-polar, with proline, which is neutral and non-polar, at codon 2993 of the FAT2 protein (p.Ala2993Pro). This variant is present in population databases (no rsID available, gnomAD 0.01%). This variant has not been reported in the literature in individuals affected with FAT2-related conditions. ClinVar contains an entry for this variant (Variation ID: 2278732). Invitae Evidence Modeling of protein sequence and biophysical properties (such as structural, functional, and spatial information, amino acid conservation, physicochemical variation, residue mobility, and thermodynamic stability) indicates that this missense variant is not expected to disrupt FAT2 protein function with a negative predictive value of 80%. In summary, the available evidence is currently insufficient to determine the role of this variant in disease. Therefore, it has been classified as a Variant of Uncertain Significance.

Ambry Genetics
Classification: Uncertain significance. Last evaluated: 2022-03-16. Review status: criteria provided, single submitter. Criteria: Ambry Variant Classification Scheme 2023. Collection method: clinical testing. Allele origin: germline.

NM_001447.3(FAT2):c.8977G>C (p.Ala2993Pro)

Genes: SLC36A1 (solute carrier family 36 member 1; plus strand), FAT2 (FAT atypical cadherin 2; minus strand). Cytogenetic location: 5q33.1.
Variant type: single nucleotide variant.
Coding change: c.8977G>C on transcript NM_001447.3 (MANE Select); coding-DNA position 8977, G replaced by C.
Protein change: p.Ala2993Pro; replaces alanine 2993 with proline.
Molecular consequence: missense variant.
Genome position (GRCh38, 1-based): chr5:151,540,629, C>G on the plus strand (G>C on the coding strand, the complement: FAT2 is on the minus strand). VCF-style: chr5-151540629-C-G. GRCh37 (hg19) VCF-style: chr5-150920190-C-G.
Other names: short protein forms A2993P.
Identifiers: ClinVar variation 2278732 (VCV002278732.3), dbSNP rs1156889986, ClinGen allele CA361829951.
Genomic context (GRCh38, chr5:151,540,629, plus strand): 5'-GTGAACACTGTGGGCTGTTATCATTGACGTCCAGGACAAAGATCTCCACAGTGACCGAAG[C>G]CTGGAACTTGCCATCAGATGCTGTGACTCTGAGCAAGTACTTGGCTGTATGCTCGCGGTC-3'
Protein context (NP_001438.1, residues 2983-3003): RVTASDGKFQ[Ala2993Pro]SVTVEIFVLD